The following is an entry in ClinVar:

ClinVar aggregate classification (germline): Pathogenic (1 of 4 stars; one submission).

Conditions:
46 XY differences of sex development. Also called: 46,XY disorder of sex development; 46, XY disorder of sex development (DSD). Identifiers: Orphanet 98085, MedGen C2751824, MONDO:0020040.
Oligosynaptic infertility (SPGF1). Also called: OLIGOCHIASMATIC INFERTILITY; SPERMATOGENIC FAILURE 1. Identifiers: MedGen C0403810, MONDO:0009776, OMIM 258150.

Submission:

Labcorp Genetics (formerly Invitae), Labcorp
Classification: Pathogenic for 46 XY differences of sex development; Oligosynaptic infertility. Last evaluated: 2018-06-26. Review status: criteria provided, single submitter. Criteria: Invitae Variant Classification Sherloc (09022015). Collection method: clinical testing. Allele origin: germline.
Comment: This sequence change creates a premature translational stop signal (p.Arg191Leufs*105) in the NR5A1 gene. It is expected to result in an absent or disrupted protein product. This variant is not present in population databases (ExAC no frequency). This variant has not been reported in the literature in individuals with NR5A1-related disease. Loss-of-function variants in NR5A1 are known to be pathogenic (PMID: 10369247, 11038323, 12907682, 19246354, 20887963). For these reasons, this variant has been classified as Pathogenic.

Literature cited by the submitters: PubMed 10369247; PubMed 11038323; PubMed 12907682; PubMed 19246354; PubMed 20887963.

NM_004959.5(NR5A1):c.572del (p.Arg191fs)

Gene: NR5A1 (nuclear receptor subfamily 5 group A member 1; minus strand). Cytogenetic location: 9q33.3.
Variant type: Deletion.
Coding change: c.572del on transcript NM_004959.5 (MANE Select); coding-DNA position 572, one base deleted (G; older notation c.572delG).
Protein change: p.Arg191fs; shifts the reading frame from arginine 191.
Molecular consequence: frameshift variant.
Genome position (GRCh38, 1-based): chr9:124,500,388, C deleted on the plus strand (G on the coding strand, the reverse complement: NR5A1 is on the minus strand). VCF-style (leftmost placement, unchanged base first): chr9-124500387-AC-A. GRCh37 (hg19) VCF-style: chr9-127262666-AC-A.
Other names: short protein forms R191fs.
Identifiers: ClinVar variation 1075935 (VCV001075935.7), dbSNP rs2131286914, ClinGen allele CA2499219608.